The following continues an entry in ClinVar:

NM_000492.4(CFTR):c.1727G>C (p.Gly576Ala)

Gene: CFTR. ClinVar aggregate classification (germline): Conflicting classifications of pathogenicity. Pathogenic (1); Uncertain significance (12); Benign (5); Likely benign (5).

Submissions 13 to 23 of 29:

Women's Health and Genetics/Laboratory Corporation of America, LabCorp
Classification: Likely benign. Last evaluated: 2023-03-16. Review status: criteria provided, single submitter. Criteria: LabCorp Variant Classification Summary - May 2015. Collection method: clinical testing. Allele origin: germline.
Comment: Variant summary: CFTR c.1727G>C (p.Gly576Ala) results in a non-conservative amino acid change located in the first ATP-binding domain (IPR003439) of the encoded protein sequence. Four of five in-silico tools predict a damaging effect of the variant on protein function. The variant allele was found at a frequency of 0.0051 in 254726 control chromosomes in the gnomAD database, including 8 homozygotes. This frequency is somewhat lower than the estimated maximum expected for a pathogenic variant in CFTR causing Non-classic Cystic Fibrosis phenoype (0.013), allowing no clear conclusions about variant significance, though the 8 homozygotes are suggestive of a benign role for the variant. The variant, c.1727G>C, has been widely reported in the literature in several individuals affected with features of Non-classic Cystic Fibrosis and in numerous individuals with CBAVD; however, the variant is observed frequently as a complex allele in cis with other variants, typically p.D443Y and p.R668C. This precludes the interpretation of the variant in isolation. Functional studies that assessed the effect of the variant in isolation suggest that: 1) it does not alter CFTR protein expression, but may slightly reduce CFTR conductance (El-Seedy_2012); 2) it does not inhibit CFTR maturation or channel function (Sosnay_2013); and 3) it may increase basal exon 13 skipping, the physiological consequences of which are unknown (Bergougnoux_2015, Martin_2021). Overall, the most pronounced variant effect results in >50%-90% of normal activity, suggesting a mild effect of the variant on CFTR conductance. However, the in-vivo impact of this finding is not clearly established. In addition, the variant has also been reported on the opposite chromosome of pathogenic CFTR variants in 12 fathers unaffected by cystic fibrosis or CBAVD, indicating a neutral impact (Sosnay_2013). Consistent with this report, the variant has been reported as a complex allele in healthy asymptomatic carriers with another CFTR pathogenic variant (example, Terlizzi_2019). In summary, a comprehensive and broad assessment of the published literature spanning 28 years of evolution (1993-2021) has failed to identify conclusive evidence supporting an actionable outcome for this variant when observed in isolation. Multiple submitters, including clinical diagnostic laboratories, have provided clinical-significance assessments for this variant to ClinVar after 2014 without evidence for independent evaluation. Multiple laboratories reported the variant with conflicting assessments ranging from benign (n=3), likely benign (n=2) and VUS (n=13) citing overlapping evidences utilized in the context of this evaluation. One database, CFTR-France and another submitter reported a pathogenic outcome. Based on the evidence outlined above, the variant in isolation has retained its classification as likely benign.

Genome-Nilou Lab
Classification: Uncertain significance for Congenital bilateral aplasia of vas deferens from CFTR mutation. Last evaluated: 2021-07-22. Review status: criteria provided, single submitter. Criteria: ACMG Guidelines, 2015. Collection method: clinical testing. Allele origin: germline. Affected: no.

Genome-Nilou Lab
Classification: Uncertain significance for Cystic fibrosis. Last evaluated: 2021-05-18. Review status: criteria provided, single submitter. Criteria: ACMG Guidelines, 2015. Collection method: clinical testing. Allele origin: germline. Affected: no.

Genome Diagnostics Laboratory, The Hospital for Sick Children
Classification: Benign for Cystic fibrosis. Last evaluated: 2020-09-16. Review status: criteria provided, single submitter. Criteria: ACMG Guidelines, 2015. Collection method: clinical testing. Allele origin: germline.

ARUP Laboratories, Molecular Genetics and Genomics, ARUP Laboratories
Classification: Uncertain significance. Last evaluated: 2020-08-27. Review status: criteria provided, single submitter. Criteria: ARUP Molecular Germline Variant Investigation Process. Collection method: clinical testing. Allele origin: germline.
Comment: The CFTR c.1727G>C; p.Gly576Ala variant (rs1800098) is reported in the medical literature in individuals with congenital bilateral absence of the vas deferens (Anguiano 1992, Gallati 2009) and in at least some unaffected individuals (El-Seedy 2012). However, the p.Gly576Ala variant is often observed on the same chromosome as p.Arg668Cys (El-Seedy 2012, Masson 2013), and the p.Arg668Cys variant is described as the pathogenic variant (Sosnay 2013). Publications shows this variant causes altered splicing (Bergougnoux 2015, Pagani 2003), but the effect on the variant protein was minimal (Bergougnoux 2015). An additional publication shows the variant protein localizes in the cell properly (El-Seedy 2012). The variant is described in the ClinVar database (Variation ID: 7165), and is found in the general population with an overall allele frequency of 0.5% (1375/276228 alleles, including 7 homozygotes) in the Genome Aggregation Database. The glycine at codon 576 is a moderately conserved nucleotide, and computational algorithms (PolyPhen-2, SIFT) predict this variant is deleterious. Due to limited information about this variant when not in complex, the clinical significance of this variant is uncertain at this time. References: Anguiano A et al. Congenital bilateral absence of the vas deferens. A primarily genital form of cystic fibrosis. JAMA. 1992 Apr 1;267(13):1794-7. Bergougnoux A et al. Should diffuse bronchiectasis still be considered a CFTR-related disorder? J Cyst Fibros. 2015 Sep;14(5):646-53. El-Seedy A et al. CFTR mutation combinations producing frequent complex alleles with different clinical and functional outcomes. Hum Mutat. 2012 Nov;33(11):1557-65. Gallati S et al. Cystic fibrosis transmembrane conductance regulator mutations in azoospermic and oligospermic men and their partners. Reprod Biomed Online. 2009 Nov;19(5):685-94. Masson E et al. A conservative assessment of the major genetic causes of idiopathic chronic pancreatitis: data from a comprehensive analysis of PRSS1, SPINK1, CTRC and CFTR genes in 253 young French patients. PLoS One. 2013 Aug 8;8(8):e73522. Pagani F et al. New type of disease causing mutations: the example of the composite exonic regulatory elements of splicing in CFTR exon 12. Hum Mol Genet. 2003 May 15;12(10):1111-20. Sosnay PR et al. Defining the disease liability of variants in the cystic fibrosis transmembrane conductance regulator gene. Nat Genet. 2013 Oct;45(10):1160-7.

Johns Hopkins Genomics, Johns Hopkins University
Classification: Benign for Cystic fibrosis. Last evaluated: 2020-04-24. Review status: criteria provided, single submitter. Criteria: ACMG Guidelines, 2015. Collection method: clinical testing. Allele origin: germline.

Eurofins Ntd Llc (ga)
Classification: Uncertain significance. Last evaluated: 2018-04-12. Review status: criteria provided, single submitter. Criteria: EGL ClinVar v180209 classification definitions. Collection method: clinical testing. Allele origin: germline. Observed: 49 variant alleles, 49 heterozygotes.

Illumina Laboratory Services, Illumina
Classification: Likely benign for CFTR-Related Disorders. Last evaluated: 2017-04-27. Review status: criteria provided, single submitter. Criteria: ICSL Variant Classification Criteria 13 December 2019. Collection method: clinical testing. Allele origin: germline.
Comment: This variant was observed as part of a predisposition screen in an ostensibly healthy population. A literature search was performed for the gene, cDNA change, and amino acid change (where applicable). No publications were found based on this search. Allele frequency data from public databases allowed determination this variant is unlikely to cause disease. Therefore, this variant is classified as likely benign.

GeneDx
Classification: Uncertain significance. Last evaluated: 2017-03-17. Review status: criteria provided, single submitter. Criteria: GeneDx Variant Classification (06012015). Collection method: clinical testing. Allele origin: germline. Affected: yes.
Comment: The G576A variant in the CFTR gene has been reported previously, often as a complex allele in cis with R668C, in multiple individuals with non-classical cystic fibrosis, including late-onset pulmonary disease, congenital bilateral absence of the vas deferens (CBAVD), or idiopathic pancreatitis (ChillÃ³n et al., 1995; Gallati et al., 2009; Steiner et al., 2011; El-Seedy et al., 2012). In vitro functional studies of G576A demonstrated a slight reduction in CFTR chloride conductance, with a more significant decrease when G576A was part of a complex allele (El-Seedy et al., 2012). The G576A variant is a conservative amino acid substitution, which occurs at a position that is conserved across mammalian species. The G576A variant is observed in 506/66,396 (0.7%) alleles from individuals of European (non-Finnish) background including one homozygous individual in the ExAC dataset (Lek et al., 2016). In addition, the G576A variant has been associated with intermediate sweat chloride values and incomplete penetrance (Masica et al., 2015; Sosnay et al., 2013). We interpret G576A as a variant of uncertain significance.

Laboratory for Molecular Medicine, Mass General Brigham Personalized Medicine
Classification: Uncertain significance. Last evaluated: 2015-07-31. Review status: criteria provided, single submitter. Criteria: LMM Criteria. Collection method: clinical testing. Allele origin: germline. Observed: 4 variant alleles.
Comment: Variant classified as Uncertain Significance - Favor Benign. The p.Gly576Ala var iant in CFTR has been reported in >50 compound heterozygous individuals with var ying clinical diagnoses, including congenital bilateral absence of the van defer ens (CBAVD), diffuse bronchiectasis, idiopathic pancreatitis, and cystic fibrosi s (Anguiano 1992, Pignatti 1995, Dork 1997, Pelletier 2010, Sosnay 2013, El-Seed y 2012); however most of these individuals carried one or more CFTR variants in cis with this variant. This variant has been identified in 0.76% (506/66396) Eur opeans by the Exome Aggregation Consortium (ExAC ; dbSNP rs1800098). The carrier frequency of this variant in individuals with CF has reported to be lower than the carrier frequency in the general population ( Sosnay 2013). Computational prediction tools and evolutionary conservation analy sis do not provide strong support for or against an impact to the protein. Howev er, in vivo studies suggest that the Gly576Ala variant may alter splicing of exo n 13 (historically exon 12; Pagani 2003). In summary, while the clinical signifi cance of the p.Gly576Ala variant is uncertain, these data suggest that it is mor e likely to be benign.

Center for Pediatric Genomic Medicine, Children's Mercy Hospital and Clinics
Classification: Uncertain significance. Last evaluated: 2015-01-07. Review status: criteria provided, single submitter. Criteria: ACMG Guidelines, 2015. Collection method: clinical testing. Allele origin: germline.
ClinVar note: Converted during submission from Uncertain Significance to Uncertain significance.